The following is an entry in ClinVar:

ClinVar aggregate classification (germline): Benign/Likely benign. Review status: criteria provided, multiple submitters, no conflicts (2 of 4 stars). 6 submissions from 5 submitters: Benign (2); Likely benign (4). Last evaluated 2026-01-28.

Conditions:
Progressive familial intrahepatic cholestasis type 3. Also called: Low Gamma-GT Familial Intrahepatic Cholestasis; MDR3 DEFICIENCY. Identifiers: Orphanet 79305, MedGen C1865643, MONDO:0011214, OMIM 602347.
Cholestasis, intrahepatic, of pregnancy, 3. Identifiers: Orphanet 69665, MedGen C3554241, MONDO:0013995, OMIM 614972.

Allele frequency attached by ClinVar (database versions not stated): 1000 Genomes Project 0.00359; 1000 Genomes Project 30x 0.00375; ESP Exome Variant Server 0.00500; gnomAD exomes 0.00084; ExAC 0.00106; gnomAD 0.00307 and 0.00325; TOPMed 0.00352.
gnomAD v4.1: 928 of 1,614,128 alleles (0.057%); highest among the groups gnomAD compares: African/African-American, 1.1%; 5 homozygotes.

Submissions (7):

Labcorp Genetics (formerly Invitae), Labcorp
Classification: Benign. Last evaluated: 2026-01-28. Review status: criteria provided, single submitter. Criteria: Invitae Variant Classification Sherloc (09022015). Collection method: clinical testing. Allele origin: germline.

Blueprint Genetics
Classification: Likely benign. Last evaluated: 2024-11-27. Review status: criteria provided, single submitter. Criteria: ACMG Guidelines, 2015. Collection method: clinical testing. Allele origin: germline.

GeneDx
Classification: Benign. Last evaluated: 2018-03-06. Review status: criteria provided, single submitter. Criteria: GeneDx Variant Classification (06012015). Collection method: clinical testing. Allele origin: germline. Affected: yes.
Comment: This variant is considered likely benign or benign based on one or more of the following criteria: it is a conservative change, it occurs at a poorly conserved position in the protein, it is predicted to be benign by multiple in silico algorithms, and/or has population frequency not consistent with disease.

Illumina Laboratory Services, Illumina
Classification: Likely benign for Cholestasis, intrahepatic, of pregnancy, 3. Last evaluated: 2017-04-28. Review status: criteria provided, single submitter. Criteria: ICSL Variant Classification Criteria 13 December 2019. Collection method: clinical testing. Allele origin: germline.
Comment: This variant was observed as part of a predisposition screen in an ostensibly healthy population. A literature search was performed for the gene, cDNA change, and amino acid change (where applicable). No publications were found based on this search. Allele frequency data from public databases allowed determination this variant is unlikely to cause disease. Therefore, this variant is classified as likely benign.

Illumina Laboratory Services, Illumina
Classification: Likely benign for Progressive familial intrahepatic cholestasis type 3. Last evaluated: 2017-04-28. Review status: criteria provided, single submitter. Criteria: ICSL Variant Classification Criteria 13 December 2019. Collection method: clinical testing. Allele origin: germline.
Comment: the same text as in the submission from Illumina Laboratory Services, Illumina above.

Breakthrough Genomics
Classification: Likely benign. Review status: criteria provided, single submitter. Criteria: ACMG Guidelines, 2015. Collection method: not provided. Allele origin: germline. Inheritance: Autosomal recessive inheritance. Affected: yes.

Dr. Peter K. Rogan Lab, Western University
No classification provided (evidence only). Condition: Thyroid cancer, nonmedullary, 1. Review status: no classification provided. Collection method: in vitro. Allele origin: not applicable. Functional consequence: retained intron. Not counted in ClinVar's aggregate classification.

NM_000443.4(ABCB4):c.2952A>G (p.Ala984=)

Gene: ABCB4 (ATP binding cassette subfamily B member 4; minus strand). Cytogenetic location: 7q21.12.
Variant type: single nucleotide variant.
Coding change: c.2952A>G on transcript NM_000443.4 (MANE Select); coding-DNA position 2952, A replaced by G.
Protein change: p.Ala984=; no amino-acid change (alanine 984 retained).
Molecular consequence: synonymous variant.
Genome position (GRCh38, 1-based): chr7:87,409,365, T>C on the plus strand (A>G on the coding strand, the complement: ABCB4 is on the minus strand). VCF-style: chr7-87409365-T-C. GRCh37 (hg19) VCF-style: chr7-87038681-T-C.
Other names: c.2952A>G, p.Ala984= (NM_018849.3); c.2811A>G, p.Ala937= (NM_018850.3).
Identifiers: ClinVar variation 381404 (VCV000381404.16), dbSNP rs45574932, ClinGen allele CA4326888.